The following is an entry in ClinVar:

NM_004304.5(ALK):c.3391T>G (p.Tyr1131Asp)

Gene: ALK (ALK receptor tyrosine kinase; minus strand). Cytogenetic location: 2p23.2.
Variant type: single nucleotide variant.
Coding change: c.3391T>G on transcript NM_004304.5 (MANE Select); coding-DNA position 3391, T replaced by G.
Protein change: p.Tyr1131Asp; replaces tyrosine 1131 with aspartic acid.
Molecular consequence: missense variant.
Genome position (GRCh38, 1-based): chr2:29,222,576, A>C on the plus strand (T>G on the coding strand, the complement: ALK is on the minus strand). VCF-style: chr2-29222576-A-C. GRCh37 (hg19) VCF-style: chr2-29445442-A-C.
Other names: c.3391T>G (NM_004304.4); c.187T>G, p.Tyr63Asp (NM_001353765.2); short protein forms Y1131D, Y63D.
Identifiers: ClinVar variation 2728325 (VCV002728325.4), dbSNP rs1669835127, ClinGen allele CA346464050.

ClinVar aggregate classification (germline): Uncertain significance. Review status: criteria provided, multiple submitters, no conflicts (2 of 4 stars). 2 submissions from 2 submitters: Uncertain significance (2). Last evaluated 2025-08-19.

Conditions:
Hereditary cancer-predisposing syndrome. Also called: Hereditary neoplastic syndrome; Hereditary Cancer Syndrome; Neoplastic Syndromes, Hereditary; Tumor predisposition. Identifiers: Orphanet 140162, MedGen C0027672, MeSH D009386, MONDO:0015356.
Neuroblastoma, susceptibility to, 3. Also called: ALK-Related Neuroblastic Tumor Susceptibility. Identifiers: Orphanet 635, MedGen C2751681, MONDO:0013083, OMIM 613014.

Allele frequency attached by ClinVar (database versions not stated): gnomAD 0.00001.
gnomAD v4.1: 1 of 1,613,898 alleles (0.000062%); highest among the groups gnomAD compares: Admixed American, 0.0017%; no homozygotes.

Submissions (2):

Ambry Genetics
Classification: Uncertain significance for Hereditary cancer-predisposing syndrome. Last evaluated: 2025-08-19. Review status: criteria provided, single submitter. Criteria: Ambry Variant Classification Scheme 2023. Collection method: clinical testing. Allele origin: germline.
Comment: The p.Y1131D variant (also known as c.3391T>G), located in coding exon 21 of the ALK gene, results from a T to G substitution at nucleotide position 3391. The tyrosine at codon 1131 is replaced by aspartic acid, an amino acid with highly dissimilar properties. This amino acid position is conserved. In addition, this alteration is predicted to be deleterious by in silico analysis. Based on the available evidence, the clinical significance of this variant remains unclear.

Labcorp Genetics (formerly Invitae), Labcorp
Classification: Uncertain significance for Neuroblastoma, susceptibility to, 3. Last evaluated: 2023-06-25. Review status: criteria provided, single submitter. Criteria: Invitae Variant Classification Sherloc (09022015). Collection method: clinical testing. Allele origin: germline.
Comment: An algorithm developed to predict the effect of missense changes on protein structure and function (PolyPhen-2) suggests that this variant is likely to be disruptive. This variant has not been reported in the literature in individuals affected with ALK-related conditions. This variant is not present in population databases (gnomAD no frequency). This sequence change replaces tyrosine, which is neutral and polar, with aspartic acid, which is acidic and polar, at codon 1131 of the ALK protein (p.Tyr1131Asp). In summary, the available evidence is currently insufficient to determine the role of this variant in disease. Therefore, it has been classified as a Variant of Uncertain Significance.